The following is an entry in ClinVar:

ClinVar aggregate classification (germline): Likely benign (1 of 4 stars; one submission).

Submission:

CeGaT Center for Human Genetics Tuebingen
Classification: Likely benign. Last evaluated: 2022-08-01. Review status: criteria provided, single submitter. Criteria: CeGaT Center For Human Genetics Tuebingen Variant Classification Criteria Version 2. Collection method: clinical testing. Allele origin: germline. Affected: yes. Observed: 1 variant allele.
Comment: SMARCA4: PM2:Supporting, BP4, BP7

NM_003072.5(SMARCA4):c.4755C>T (p.Gly1585=)

Gene: SMARCA4 (SWI/SNF related BAF chromatin remodeling complex subunit ATPase 4; plus strand). Cytogenetic location: 19p13.2.
Variant type: single nucleotide variant.
Coding change: c.4755C>T on transcript NM_003072.5 (MANE Select); coding-DNA position 4755, C replaced by T.
Protein change: p.Gly1585=; no amino-acid change (glycine 1585 retained).
Molecular consequence: synonymous variant. On other transcripts: non-coding transcript variant (1).
Genome position (GRCh38, 1-based): chr19:11,059,872, C>T. VCF-style: chr19-11059872-C-T. GRCh37 (hg19) VCF-style: chr19-11170548-C-T.
Other names: c.4755C>T, p.Gly1585= (NM_001128844.3); c.4665C>T, p.Gly1555= (NM_001128845.2); c.4662C>T, p.Gly1554= (NM_001128846.2); c.4656C>T, p.Gly1552= (NM_001128847.4, NM_001374457.1); c.4653C>T, p.Gly1551= (NM_001128848.2); c.4851C>T, p.Gly1617= (NM_001128849.3, NM_001387283.1); c.4752C>T, p.Gly1584= (NM_001411150.1).
Identifiers: ClinVar variation 2649313 (VCV002649313.24), dbSNP rs2147116328, ClinGen allele CA505495256.